The following is an entry in ClinVar:

ClinVar aggregate classification (germline): Likely benign. Review status: criteria provided, multiple submitters, no conflicts (2 of 4 stars). 3 submissions from 3 submitters: Likely benign (3). Last evaluated 2025-05-11.

Conditions:
Cardiac arrhythmia. Also called: Arrhythmia; Cardiac rhythm disease. Identifiers: MedGen C0003811, MONDO:0007263, HP:0011675.
Long QT syndrome (LQTS). Identifiers: MedGen C0023976, MeSH D008133, MONDO:0002442. Disease mechanism: loss of function. Inheritance: Various modes of inheritance.

gnomAD v4.1: 1 of 1,573,052 alleles (0.000064%); highest among the groups gnomAD compares: Non-Finnish European, 0.000086%; no homozygotes.

Submissions (3):

Labcorp Genetics (formerly Invitae), Labcorp
Classification: Likely benign for Long QT syndrome. Last evaluated: 2025-05-11. Review status: criteria provided, single submitter. Criteria: Invitae Variant Classification Sherloc (09022015). Collection method: clinical testing. Allele origin: germline.

All of Us Research Program, National Institutes of Health
Classification: Likely benign for Long QT syndrome. Last evaluated: 2024-07-10. Review status: criteria provided, single submitter. Criteria: ACMG Guidelines, 2015. Collection method: clinical testing. Allele origin: germline. Inheritance: Autosomal dominant inheritance. Observed: 1 variant allele, 1 heterozygote.
Comment: This study involves interpretation of variants in research participants for the purpose of population health screening. Participant phenotype was not available at the time of variant classification. Additional details can be found in publication PMID: 35346344, PMCID: PMC8962531

Color Diagnostics, LLC DBA Color Health
Classification: Likely benign for Cardiac arrhythmia. Last evaluated: 2024-04-25. Review status: criteria provided, single submitter. Criteria: ACMG Guidelines, 2015. Collection method: clinical testing. Allele origin: germline.

NM_000238.4(KCNH2):c.917-14G>A

Gene: KCNH2 (potassium voltage-gated channel subfamily H member 2; minus strand). Cytogenetic location: 7q36.1.
Variant type: single nucleotide variant.
Coding change: c.917-14G>A on transcript NM_000238.4 (MANE Select); 14 bases into the intron before coding-DNA position 917, G replaced by A.
Molecular consequence: intron variant.
Genome position (GRCh38, 1-based): chr7:150,957,516, C>T on the plus strand (G>A on the coding strand, the complement: KCNH2 is on the minus strand). VCF-style: chr7-150957516-C-T. GRCh37 (hg19) VCF-style: chr7-150654604-C-T.
Other names: c.629-14G>A (NM_001406753.1, NM_001406756.1); c.917-14G>A (NM_172056.3); c.740-14G>A (NM_001406755.1); c.617-14G>A (NM_001406757.1).
Identifiers: ClinVar variation 3386910 (VCV003386910.3).
Genomic context (GRCh38, chr7:150,957,516, plus strand): 5'-GTCCGAGGTGGAGTTGAGCAAGCCGCTGCGCAGTGGGTGCATGGCCCCTAGGTGGAGAGG[C>T]AGCGTGGTCAGGCCAGCAGCCCAGGGCCCCAGGCCAGGCAGGCCACCCATAGATCGAGAG-3'